The following is an entry in ClinVar:

ClinVar aggregate classification (germline): Uncertain significance (1 of 4 stars; one submission).

Conditions:
Cardiovascular phenotype. Identifiers: MedGen CN230736.

Allele frequency attached by ClinVar (database versions not stated): gnomAD exomes below 0.00001.
gnomAD v4.1: 1 of 1,601,934 alleles (0.000062%); highest among the groups gnomAD compares: East Asian, 0.0022%; no homozygotes.

Submission:

Ambry Genetics
Classification: Uncertain significance for Cardiovascular phenotype. Last evaluated: 2021-07-18. Review status: criteria provided, single submitter. Criteria: Ambry Variant Classification Scheme 2023. Collection method: clinical testing. Allele origin: germline.
Comment: The p.F858L variant (also known as c.2574C>G), located in coding exon 17 of the GAA gene, results from a C to G substitution at nucleotide position 2574. The phenylalanine at codon 858 is replaced by leucine, an amino acid with highly similar properties. This amino acid position is conserved. In addition, the in silico prediction for this alteration is inconclusive. Since supporting evidence is limited at this time, the clinical significance of this alteration remains unclear.

NM_000152.5(GAA):c.2574C>G (p.Phe858Leu)

Gene: GAA (alpha glucosidase; plus strand). Cytogenetic location: 17q25.3.
Variant type: single nucleotide variant.
Coding change: c.2574C>G on transcript NM_000152.5 (MANE Select); coding-DNA position 2574, C replaced by G.
Protein change: p.Phe858Leu; replaces phenylalanine 858 with leucine.
Molecular consequence: missense variant.
Genome position (GRCh38, 1-based): chr17:80,118,285, C>G. VCF-style: chr17-80118285-C-G. GRCh37 (hg19) VCF-style: chr17-78092084-C-G.
Other names: c.2574C>G, p.Phe858Leu (NM_001079803.3, NM_001079804.3, NM_001406741.1 and 1 more transcripts); short protein forms F858L.
Identifiers: ClinVar variation 1793288 (VCV001793288.2), dbSNP rs2143930264, ClinGen allele CA401326232.